The following is an entry in ClinVar:

ClinVar aggregate classification (germline): Uncertain significance (1 of 4 stars; one submission).

Submission:

Labcorp Genetics (formerly Invitae), Labcorp
Classification: Uncertain significance. Last evaluated: 2022-08-21. Review status: criteria provided, single submitter. Criteria: Invitae Variant Classification Sherloc (09022015). Collection method: clinical testing. Allele origin: germline.
Comment: Advanced modeling of protein sequence and biophysical properties (such as structural, functional, and spatial information, amino acid conservation, physicochemical variation, residue mobility, and thermodynamic stability) performed at Invitae indicates that this missense variant is not expected to disrupt GRM6 protein function. This sequence change replaces arginine, which is basic and polar, with glycine, which is neutral and non-polar, at codon 3 of the GRM6 protein (p.Arg3Gly). This variant is not present in population databases (gnomAD no frequency). This variant has not been reported in the literature in individuals affected with GRM6-related conditions. In summary, the available evidence is currently insufficient to determine the role of this variant in disease. Therefore, it has been classified as a Variant of Uncertain Significance.

NM_000843.4(GRM6):c.7C>G (p.Arg3Gly)

Gene: GRM6 (glutamate metabotropic receptor 6; minus strand). Cytogenetic location: 5q35.3.
Variant type: single nucleotide variant.
Coding change: c.7C>G on transcript NM_000843.4 (MANE Select); coding-DNA position 7, C replaced by G.
Protein change: p.Arg3Gly; replaces arginine 3 with glycine.
Molecular consequence: missense variant.
Genome position (GRCh38, 1-based): chr5:178,994,938, G>C on the plus strand (C>G on the coding strand, the complement: GRM6 is on the minus strand). VCF-style: chr5-178994938-G-C. GRCh37 (hg19) VCF-style: chr5-178421939-G-C.
Other names: short protein forms R3G.
Identifiers: ClinVar variation 1717412 (VCV001717412.5), dbSNP rs1760747829, ClinGen allele CA362437253.